The following is an entry in ClinVar:

ClinVar aggregate classification (germline): Uncertain significance (1 of 4 stars; one submission).

gnomAD v4.1: 12 of 1,589,224 alleles (0.00076%); highest among the groups gnomAD compares: East Asian, 0.0022%; no homozygotes.

Submission:

Labcorp Genetics (formerly Invitae), Labcorp
Classification: Uncertain significance. Last evaluated: 2022-12-18. Review status: criteria provided, single submitter. Criteria: Invitae Variant Classification Sherloc (09022015). Collection method: clinical testing. Allele origin: germline.
Comment: This sequence change replaces isoleucine, which is neutral and non-polar, with valine, which is neutral and non-polar, at codon 497 of the APPL1 protein (p.Ile497Val). In summary, the available evidence is currently insufficient to determine the role of this variant in disease. Therefore, it has been classified as a Variant of Uncertain Significance. Advanced modeling of protein sequence and biophysical properties (such as structural, functional, and spatial information, amino acid conservation, physicochemical variation, residue mobility, and thermodynamic stability) performed at Invitae indicates that this missense variant is not expected to disrupt APPL1 protein function. This variant has not been reported in the literature in individuals affected with APPL1-related conditions. This variant is present in population databases (no rsID available, gnomAD 0.006%).

NM_012096.3(APPL1):c.1489A>G (p.Ile497Val)

Gene: APPL1 (adaptor protein, phosphotyrosine interacting with PH domain and leucine zipper 1; plus strand). Cytogenetic location: 3p14.3.
Variant type: single nucleotide variant.
Coding change: c.1489A>G on transcript NM_012096.3 (MANE Select); coding-DNA position 1489, A replaced by G.
Protein change: p.Ile497Val; replaces isoleucine 497 with valine.
Molecular consequence: missense variant.
Genome position (GRCh38, 1-based): chr3:57,259,850, A>G. VCF-style: chr3-57259850-A-G. GRCh37 (hg19) VCF-style: chr3-57293878-A-G.
Other names: short protein forms I497V.
Identifiers: ClinVar variation 2787692 (VCV002787692.3), dbSNP rs1189508652, ClinGen allele CA353298059.